The following is an entry in ClinVar:

NM_002880.4(RAF1):c.329C>T (p.Ala110Val)

Gene: RAF1 (Raf-1 proto-oncogene, serine/threonine kinase; minus strand). Cytogenetic location: 3p25.2.
Variant type: single nucleotide variant.
Coding change: c.329C>T on transcript NM_002880.4 (MANE Select); coding-DNA position 329, C replaced by T.
Protein change: p.Ala110Val; replaces alanine 110 with valine.
Molecular consequence: missense variant. On other transcripts: non-coding transcript variant (3).
Genome position (GRCh38, 1-based): chr3:12,609,327, G>A on the plus strand (C>T on the coding strand, the complement: RAF1 is on the minus strand). VCF-style: chr3-12609327-G-A. GRCh37 (hg19) VCF-style: chr3-12650826-G-A.
Other names: c.329C>T, p.Ala110Val (NM_001354689.3, NM_001354690.3, NM_001354693.3); c.86C>T, p.Ala29Val (NM_001354691.3, NM_001354692.3, NM_001354694.3 and 1 more transcripts); short protein forms A110V, A29V.
Identifiers: ClinVar variation 44626 (VCV000044626.5), dbSNP rs397516819, ClinGen allele CA134728.
Genomic context (GRCh38, chr3:12,609,327, plus strand): 5'-AAATCTACTTGAAGTTCTTCTCCAATCAAAGACGCAGCATCAGTATTCCAATCTAAGCGT[G>A]CTTTTTTACTAGAAAGGATTTAAAAAAAACATGAAATGTTTAAACAAGATCAAAGTTCAA-3'
Protein context (NP_002871.1, residues 100-120): RLLHEHKGKK[Ala110Val]RLDWNTDAAS

ClinVar aggregate classification (germline): Uncertain significance (1 of 4 stars; one submission).

Submission:

Laboratory for Molecular Medicine, Mass General Brigham Personalized Medicine
Classification: Uncertain significance. Last evaluated: 2012-03-22. Review status: criteria provided, single submitter. Criteria: LMM Criteria. Collection method: clinical testing. Allele origin: germline. Observed: 1 variant allele.
Comment: The Ala110Val variant (RAF1) has not been reported in the literature nor previou sly identified by our laboratory. Alanine (Ala) at this position is not conserv ed across species and the chicken carries a valine (Val) at this position, sugge sting that this change may be tolerated. Additional computational analyses (bio chemical amino acid properties, AlignGVGD, PolyPhen2, and SIFT) suggest that the Ala110Val variant may not impact the protein, though this information is not pr edictive enough to rule out pathogenicity. Although this data supports that this variant may be benign, additional studies are needed to fully assess its clinic al significance.